The following is an entry in ClinVar:

NM_001330288.2(SMARCC2):c.320G>A (p.Arg107Gln)

Gene: SMARCC2 (SWI/SNF related BAF chromatin remodeling complex subunit C2; minus strand). Cytogenetic location: 12q13.2.
Variant type: single nucleotide variant.
Coding change: c.320G>A on transcript NM_001330288.2 (MANE Select); coding-DNA position 320, G replaced by A.
Protein change: p.Arg107Gln; replaces arginine 107 with glutamine.
Molecular consequence: missense variant.
Genome position (GRCh38, 1-based): chr12:56,185,109, C>T on the plus strand (G>A on the coding strand, the complement: SMARCC2 is on the minus strand). VCF-style: chr12-56185109-C-T. GRCh37 (hg19) VCF-style: chr12-56578893-C-T.
Other names: c.320G>A, p.Arg107Gln (NM_001130420.3, NM_003075.5, NM_139067.4); short protein forms R107Q.
Identifiers: ClinVar variation 3382543 (VCV003382543.2).

ClinVar aggregate classification (germline): Uncertain significance (1 of 4 stars; one submission).

Conditions:
Coffin-Siris syndrome 8. Identifiers: MedGen C5193054, MONDO:0032702, OMIM 618362.

Submission:

Juno Genomics, Hangzhou Juno Genomics, Inc
Classification: Uncertain significance for Coffin-Siris syndrome 8. Review status: criteria provided, single submitter. Criteria: ACMG Guidelines, 2015. Collection method: clinical testing. Allele origin: germline. Affected: yes.
Comment: Absent from controls (or at extremely low frequency if recessive) in Genome Aggregation Database, Exome Sequencing Project, 1000 Genomes Project, or Exome Aggregation Consortium.;De novo (both maternity and paternity confirmed) in a patient with the disease and no family history.;Missense variant in a gene that has a low rate of benign missense variation and where missense variants are a common mechanism of disease.